The following is an entry in ClinVar:

NM_001048174.2(MUTYH):c.305-1G>A

Gene: MUTYH (mutY DNA glycosylase; minus strand). Cytogenetic location: 1p34.1.
Variant type: single nucleotide variant.
Coding change: c.305-1G>A on transcript NM_001048174.2 (MANE Select); the canonical splice acceptor site of the intron before coding-DNA position 305, G replaced by A.
Molecular consequence: splice acceptor variant. On other transcripts: intron variant (3).
Genome position (GRCh38, 1-based): chr1:45,333,171, C>T on the plus strand (G>A on the coding strand, the complement: MUTYH is on the minus strand). VCF-style: chr1-45333171-C-T. GRCh37 (hg19) VCF-style: chr1-45798843-C-T.
Other names: c.305-1G>A (NM_001407072.1, NM_001048171.2, NM_001407070.1 and 6 more transcripts); c.33+114G>A (NM_001350651.2, NM_001350650.2, NM_001407082.1); c.29-1G>A (NM_001293192.2, NM_001293196.2, NM_001407091.1); c.347-1G>A (NM_001407073.1, NM_001407083.1, NM_001407085.1); c.350-1G>A (NM_001293190.2); c.380-1G>A (NM_001407069.1, NM_012222.3); c.389-1G>A (NM_001128425.2); c.308-1G>A (NM_001407071.1, NM_001407079.1, NM_001048172.2 and 2 more transcripts); and 3 more.
Identifiers: ClinVar variation 186819 (VCV000186819.33), dbSNP rs372267274, ClinGen allele CA013479.
Genomic context (GRCh38, chr1:45,333,171, plus strand): 5'-TATAGTAGTTGATCACAGTGGCAACCTGGGTCTGCTGCAGCATGACCTCTGAGACCCACA[C>T]TGGGGGAAAGGGGTTGGCATGAGGACACTGCTGACCTGCCCCTACCTGGCCCACAGCCCC-3'

ClinVar aggregate classification (germline): Pathogenic. Review status: criteria provided, multiple submitters, no conflicts (2 of 4 stars). 12 submissions from 12 submitters: Pathogenic (11). 1 of the submissions does not count toward it. Last evaluated 2025-12-08.

Conditions:
MUTYH-related disorder. Also called: MUTYH-related condition; MUTYH-related disorders.
Hereditary cancer-predisposing syndrome. Also called: Tumor predisposition; Neoplastic Syndromes, Hereditary; Hereditary neoplastic syndrome; Hereditary Cancer Syndrome. Identifiers: Orphanet 140162, MedGen C0027672, MeSH D009386, MONDO:0015356.
Familial adenomatous polyposis 2. Also called: COLORECTAL ADENOMATOUS POLYPOSIS, AUTOSOMAL RECESSIVE; ADENOMAS, MULTIPLE COLORECTAL, AUTOSOMAL RECESSIVE; FAP type 2; MYH-associated polyposis; MUTYH-related attenuated familial adenomatous polyposis; Adenomas, multiple colorectal. Identifiers: Orphanet 220460, Orphanet 247798, MedGen C3272841, MONDO:0012041, OMIM 608456.

Allele frequency attached by ClinVar (database versions not stated): TOPMed 0.00001; ESP Exome Variant Server 0.00008.
gnomAD v4.1: 14 of 1,614,226 alleles (0.00087%); highest among the groups gnomAD compares: Non-Finnish European, 0.0012%; no homozygotes.

Submissions (12):

Labcorp Genetics (formerly Invitae), Labcorp
Classification: Pathogenic for Familial adenomatous polyposis 2. Last evaluated: 2025-12-08. Review status: criteria provided, single submitter. Criteria: Invitae Variant Classification Sherloc (09022015). Collection method: clinical testing. Allele origin: germline.
Comment: This sequence change affects an acceptor splice site in intron 4 of the MUTYH gene. RNA analysis indicates that disruption of this splice site induces altered splicing and likely results in the loss of 4 amino acid residue(s), but is expected to preserve the integrity of the reading-frame. This variant is not present in population databases (gnomAD no frequency). Disruption of this splice site has been observed in individuals with colorectal cancer and multiple polyposis (PMID: 12853198, 19032956, 19732775, 24470512). This variant is also known as c.347-1G>A. ClinVar contains an entry for this variant (Variation ID: 186819). Studies have shown that disruption of this splice site results in the activation of a cryptic splice site in exon 5 (internal data). This variant disrupts a region of the MUTYH protein in which other variant(s) (p.Trp131Arg) have been determined to be pathogenic (PMID: 12853198, 19032956, 19394335, 19732775, 25820570, 26681312; internal data). This suggests that this is a clinically significant region of the protein, and that variants that disrupt it are likely to be disease-causing. For these reasons, this variant has been classified as Pathogenic.

Quest Diagnostics Nichols Institute San Juan Capistrano
Classification: Pathogenic. Last evaluated: 2025-07-22. Review status: criteria provided, single submitter. Criteria: Quest Diagnostics criteria. Collection method: clinical testing. Allele origin: unknown.
Comment: The MUTYH c.389-1G>A variant disrupts a canonical splice-acceptor site and interferes with normal MUTYH mRNA splicing. This variant has been reported in the published literature in individuals with MUTYH-associated polyposis (PMID: 12853198 (2003), 19732775 (2009), 24470512 (2014), 19032956 (2009)), colorectal cancer (PMID: 24470512 (2014), 35668106 (2022)), sarcoma (PMID: 34326862 (2021)), as well as in a reportedly unaffected individual (PMID: 33471991 (2021), see also LOVD). This variant has not been reported in large, multi-ethnic general populations (Genome Aggregation Database). Based on the available information, this variant is classified as pathogenic.

Ambry Genetics
Classification: Pathogenic for Hereditary cancer-predisposing syndrome. Last evaluated: 2025-03-23. Review status: criteria provided, single submitter. Criteria: Ambry Variant Classification Scheme 2023. Collection method: clinical testing. Allele origin: germline.
Comment: The c.389-1G>A intronic pathogenic mutation results from a G to A substitution one nucleotide upstream from coding exon 5 in the MUTYH gene. This nucleotide position is highly conserved in available vertebrate species. In silico splice site analysis predicts that this alteration will weaken the native splice acceptor site and will result in the creation or strengthening of a novel splice acceptor site. RNA studies have demonstrated that this alteration results in abnormal splicing in the set of samples tested (Ambry internal data). This pathogenic mutation has been identified in conjunction with a MUTYH founder mutation in at least two individuals with polyposis (Sampson JR et al. Lancet 2003 Jul;362:39-41; Vogt S et al. Gastroenterology 2009 Dec;137(6):1976-85.e1-10; Guarinos C et al. Clin Cancer Res 2014 Mar;20(5):1158-68). Of note, this mutation is also designated as 347-1G>A in published literature. In addition to the clinical data presented in the literature, alterations that disrupt the canonical splice site are expected to cause aberrant splicing, resulting in an abnormal protein or a transcript that is subject to nonsense-mediated mRNA decay. As such, this alteration is classified as a disease-causing mutation.

Color Diagnostics, LLC DBA Color Health
Classification: Pathogenic for Hereditary cancer-predisposing syndrome. Last evaluated: 2024-09-30. Review status: criteria provided, single submitter. Criteria: ACMG Guidelines, 2015. Collection method: clinical testing. Allele origin: germline.
Comment: This variant causes a G>A nucleotide substitution at the canonical -1 position of intron 4 splice acceptor of the MUTYH gene. This is also know as IVS4-1G>A and c.347-1G>A based on an alternative MUTYH transcript (NM_001048171). Splice site prediction tools suggest that this variant may have a significant impact on RNA splicing. Although this prediction has not been confirmed by published RNA studies, this variant is expected to result in an absent or non-functional protein product. This variant has been reported in multiple individuals affected with adenomatous polyposis and/or colorectal cancer together with another known pathogenic variant in the same gene (PMID: 12853198, 19732775, 24470512; communication with an external laboratory, ClinVar SCV000545764.5; Color internal data). Compound heterozygosity consistent with autosomal recessive inheritance has been reported in three of these probands (PMID: 12853198, 19732775, 24470512). This variant has not been identified in the general population by the Genome Aggregation Database (gnomAD). Based on the available evidence, this variant is classified as Pathogenic.

All of Us Research Program, National Institutes of Health
Classification: Pathogenic for Familial adenomatous polyposis 2. Last evaluated: 2024-08-06. Review status: criteria provided, single submitter. Criteria: ACMG Guidelines, 2015. Collection method: clinical testing. Allele origin: germline. Inheritance: Autosomal recessive inheritance. Observed: 8 variant alleles, 8 heterozygotes.
Comment: This variant causes a G>A nucleotide substitution at the canonical -1 position of intron 4 splice acceptor of the MUTYH gene. This is also know as IVS4-1G>A and c.347-1G>A based on an alternative MUTYH transcript (NM_001048171). Splice site prediction tools suggest that this variant may have a significant impact on RNA splicing. Although this prediction has not been confirmed by published RNA studies, this variant is expected to result in an absent or non-functional protein product. This variant has been reported in multiple individuals affected with adenomatous polyposis and/or colorectal cancer together with another known pathogenic variant in the same gene (PMID: 12853198, 19732775, 24470512; communication with an external laboratory, ClinVar SCV000545764.5; Color internal data). Compound heterozygosity consistent with autosomal recessive inheritance has been reported in three of these probands (PMID: 12853198, 19732775, 24470512). This variant has not been identified in the general population by the Genome Aggregation Database (gnomAD). Based on the available evidence, this variant is classified as Pathogenic.

This study involves interpretation of variants in research participants for the purpose of population health screening. Participant phenotype was not available at the time of variant classification. Additional details can be found in publication PMID: 35346344, PMCID: PMC8962531

Molecular Pathology, Peter Maccallum Cancer Centre
Classification: Pathogenic for Familial adenomatous polyposis 2. Last evaluated: 2024-07-15. Review status: criteria provided, single submitter. Criteria: ACMG Guidelines, 2015. Collection method: clinical testing. Allele origin: germline. Inheritance: Autosomal recessive inheritance.

Baylor Genetics
Classification: Pathogenic for Familial adenomatous polyposis 2. Last evaluated: 2024-02-17. Review status: criteria provided, single submitter. Criteria: ACMG Guidelines, 2015. Collection method: clinical testing. Allele origin: unknown.

St. Jude Molecular Pathology, St. Jude Children's Research Hospital
Classification: Pathogenic for Familial adenomatous polyposis 2. Last evaluated: 2024-02-06. Review status: criteria provided, single submitter. Criteria: St. Jude Assertion Criteria 2020. Collection method: clinical testing. Allele origin: germline.
Comment: The MUTYH c.389-1G>A intronic change results in a G to A substitution at the -1 position of intron 4 of the MUTYH gene. This variant is predicted to result in aberrant splicing. This variant has been reported in conjunction with another pathogenic variant in individuals with adenomas (PMID: 19732775, 24470512). This variant is also absent in gnomAD v2.1.1. In summary, this variant meets criteria to be classified as pathogenic.

Blueprint Genetics
Classification: Pathogenic for MUTYH-related disorders. Last evaluated: 2022-12-29. Review status: criteria provided, single submitter. Criteria: ACMG Guidelines, 2015. Collection method: clinical testing. Allele origin: germline. Affected: yes. Observed: 1 variant allele.

Revvity Omics, Revvity
Classification: Pathogenic for Familial adenomatous polyposis 2. Last evaluated: 2019-06-28. Review status: criteria provided, single submitter. Criteria: ACMG Guidelines, 2015. Collection method: clinical testing. Allele origin: germline.

Human Genome Sequencing Center Clinical Lab, Baylor College of Medicine
Classification: Pathogenic for MUTYH-associated polyposis. Last evaluated: 2018-07-24. Review status: criteria provided, single submitter. Criteria: ACMG Guidelines, 2015. Collection method: clinical testing. Allele origin: unknown.

Department of Pathology and Laboratory Medicine, Sinai Health System
Classification: Pathogenic. Review status: no assertion criteria provided. Collection method: clinical testing. Allele origin: unknown. Affected: yes. Study: The Canadian Open Genetics Repository (COGR). Not counted in ClinVar's aggregate classification.
Comment: The MUTYH, c.389-1G>A variant was identified in 8 of 3318 proband chromosomes (frequency: 0.002) from individuals or families with colorectal adenomatous polyposis in the German, UK, Dutch and Spanish populations (Guarinos 2014, Nielsen 2009, Vogt 2009, Sampson 2003, Filipe 2009). The variant was identified in dbSNP (ID: rs372267274) as â€šÃ„ÃºWith Pathogenic allele.â€šÃ„Ã¹ In the NHLBI Exome Sequencing Project, the variant was identified in 1 of 8600 European Americans and was not identified in African Americans. The variant was listed in the ClinVar database as Pathogenic by Ambry Genetics and was reported 4x in InSiGHT Colon Cancer Gene Variant Database (LOVD). Additionally, the variant was found to occur in biallelic mode with the pathogenic variant c.536A>G in a patient with 14 polyps but no colorectal cancer (Sampson 2003). The variant was identified in 2 patients with attenuated FAP in trans with the pathogenic variant c.1187G>A (Filipe 2009). The c.389-1G>A variant is predicted to cause abnormal splicing because the nucleotide substitution occurs in the invariant region of the splice consensus sequence. In addition, 5 of 5 in silico or computational prediction software programs (SpliceSiteFinder, MaxEntScan, NNSPLICE, GeneSplicer, HumanSpliceFinder) predict a greater than 10% difference in splicing. In summary, based on the above information, this variant meets our laboratoryâ€šÃ„Ã´s criteria to be classified as pathogenic.

Literature cited by the submitters: PubMed 12853198 (cited by 5 submitters); PubMed 19032956 (cited by Labcorp Genetics (formerly Invitae), Labcorp and Quest Diagnostics Nichols Institute San Juan Capistrano); PubMed 19732775 (cited by 5 submitters); PubMed 24470512 (cited by 5 submitters); PubMed 19394335 (cited by Labcorp Genetics (formerly Invitae), Labcorp); PubMed 25820570 (cited by Labcorp Genetics (formerly Invitae), Labcorp); PubMed 26681312 (cited by Labcorp Genetics (formerly Invitae), Labcorp); PubMed 25525159 (cited by Quest Diagnostics Nichols Institute San Juan Capistrano); PubMed 35668106 (cited by Quest Diagnostics Nichols Institute San Juan Capistrano); PubMed 34326862 (cited by Quest Diagnostics Nichols Institute San Juan Capistrano); PubMed 33471991 (cited by Quest Diagnostics Nichols Institute San Juan Capistrano).